The following is an entry in ClinVar:

ClinVar aggregate classification (germline): Uncertain significance. Review status: criteria provided, multiple submitters, no conflicts (2 of 4 stars). 2 submissions from 2 submitters: Uncertain significance (2). Last evaluated 2024-03-26.

Conditions:
Neurodevelopmental disorder with seizures and nonepileptic hyperkinetic movements. Identifiers: MedGen C5193128, MONDO:0032784, OMIM 618497.

Allele frequency attached by ClinVar (database versions not stated): gnomAD 0.00001.
gnomAD v4.1: 16 of 1,613,862 alleles (0.00099%); highest among the groups gnomAD compares: Non-Finnish European, 0.0013%; no homozygotes.

Submissions (2):

Genomic Medicine Center of Excellence, King Faisal Specialist Hospital and Research Centre
Classification: Uncertain significance for Neurodevelopmental disorder with seizures and nonepileptic hyperkinetic movements. Last evaluated: 2024-03-26. Review status: criteria provided, single submitter. Criteria: ACMG Guidelines, 2015. Collection method: clinical testing. Allele origin: germline.

Labcorp Genetics (formerly Invitae), Labcorp
Classification: Uncertain significance. Last evaluated: 2022-04-08. Review status: criteria provided, single submitter. Criteria: Invitae Variant Classification Sherloc (09022015). Collection method: clinical testing. Allele origin: germline.
Comment: In summary, the available evidence is currently insufficient to determine the role of this variant in disease. Therefore, it has been classified as a Variant of Uncertain Significance. Advanced modeling of protein sequence and biophysical properties (such as structural, functional, and spatial information, amino acid conservation, physicochemical variation, residue mobility, and thermodynamic stability) performed at Invitae indicates that this missense variant is not expected to disrupt CACNA1B protein function. This variant has not been reported in the literature in individuals affected with CACNA1B-related conditions. This variant is present in population databases (rs201227447, gnomAD 0.0009%). This sequence change replaces arginine, which is basic and polar, with tryptophan, which is neutral and slightly polar, at codon 1122 of the CACNA1B protein (p.Arg1122Trp).

NM_000718.4(CACNA1B):c.3364C>T (p.Arg1122Trp)

Genes: CACNA1B (calcium voltage-gated channel subunit alpha1 B; plus strand), LOC101928786 (uncharacterized LOC101928786; minus strand). Cytogenetic location: 9q34.3.
Variant type: single nucleotide variant.
Coding change: c.3364C>T on transcript NM_000718.4 (MANE Select); coding-DNA position 3364, C replaced by T.
Protein change: p.Arg1122Trp; replaces arginine 1122 with tryptophan.
Molecular consequence: missense variant.
Genome position (GRCh38, 1-based): chr9:138,043,851, C>T. VCF-style: chr9-138043851-C-T. GRCh37 (hg19) VCF-style: chr9-140938303-C-T.
Other names: c.3364C>T, p.Arg1122Trp (NM_001243812.2); short protein forms R1122W.
Identifiers: ClinVar variation 1940471 (VCV001940471.4), dbSNP rs201227447, ClinGen allele CA201841899.